The following is an entry in ClinVar:

NM_001429.4(EP300):c.6690_6698del (p.His2230_Gln2232del)

Gene: EP300 (EP300 lysine acetyltransferase; plus strand). Cytogenetic location: 22q13.2.
Variant type: Deletion.
Coding change: c.6690_6698del on transcript NM_001429.4 (MANE Select); coding-DNA positions 6690 to 6698, 9 bases deleted (CATGCAACA; older notation c.6690_6698delCATGCAACA).
Protein change: p.His2230_Gln2232del.
Molecular consequence: inframe deletion.
Genome position (GRCh38, 1-based): chr22:41,178,401-41,178,409, CATGCAACA deleted; deleting any 9 consecutive bases within chr22:41,178,399-41,178,409 gives the same sequence; the c. name uses the placement nearest the transcript's 3' end. VCF-style (leftmost placement, unchanged base first): chr22-41178398-TCACATGCAA-T. GRCh37 (hg19) VCF-style: chr22-41574402-TCACATGCAA-T.
Other names: c.6612_6620del, p.His2204_Gln2206del (NM_001362843.2).
Identifiers: ClinVar variation 2499817 (VCV002499817.2), dbSNP rs2517835314, ClinGen allele CA2577729360.
Genomic context (GRCh38, chr22:41,178,398, plus strand): 5'-CCAGTTCCAGCAACCCCAAGGAGTTGGCTACCCACCACAGCAGCAGCAGCGGATGCAGCA[TCACATGCAA>T]CAGATGCAACAAGGAAATATGGGACAGATAGGCCAGCTTCCCCAGGCCTTGGGAGCAGAG-3'

ClinVar aggregate classification (germline): Uncertain significance (1 of 4 stars; one submission).

Submission:

GeneDx
Classification: Uncertain significance. Last evaluated: 2026-02-06. Review status: criteria provided, single submitter. Criteria: GeneDx Variant Classification Process June 2021. Collection method: clinical testing. Allele origin: germline.
Comment: Not observed at significant frequency in large population cohorts (gnomAD); In-frame deletion of 3 amino acids in a non-repeat region; In silico analysis supports a deleterious effect on protein structure/function; Has not been previously published as pathogenic or benign to our knowledge